The following is an entry in ClinVar:

ClinVar aggregate classification (germline): Uncertain significance. Review status: criteria provided, multiple submitters, no conflicts (2 of 4 stars). 2 submissions from 2 submitters: Uncertain significance (2). Last evaluated 2026-05-18.

Conditions:
Myofibrillar myopathy 5. Also called: Filaminopathy (type); FILAMINOPATHY, AUTOSOMAL DOMINANT. Identifiers: Orphanet 171445, MedGen C1836050, MONDO:0012289, OMIM 609524.
Hypertrophic cardiomyopathy 26. Also called: Cardiomyopathy, familial hypertrophic, 26. Identifiers: Orphanet 75249, MedGen C4310749, MONDO:0014883, OMIM 617047.
Distal myopathy with posterior leg and anterior hand involvement. Also called: WILLIAMS DISTAL MYOPATHY. Identifiers: Orphanet 63273, MedGen C3279722, MONDO:0013550, OMIM 614065.

Allele frequency attached by ClinVar (database versions not stated): ExAC 0.00001.

Submissions (2):

Women's Health and Genetics/Laboratory Corporation of America, LabCorp
Classification: Uncertain significance. Last evaluated: 2026-05-18. Review status: criteria provided, single submitter. Criteria: LabCorp Variant Classification Summary - May 2015. Collection method: clinical testing. Allele origin: germline.
Comment: Variant summary: FLNC c.3967G>A (p.Val1323Met) results in a conservative amino acid change in the encoded protein sequence. Algorithms developed to predict the effect of missense changes on protein structure and function all suggest that this variant is likely to be tolerated. Consensus agreement among computation tools predict no significant impact on normal splicing. However, these predictions have yet to be confirmed by functional studies. The variant allele was found at a frequency of 8.1e-06 in 248390 control chromosomes (gnomAD). The available data on variant occurrences in the general population are insufficient to allow any conclusion about variant significance. To our knowledge, no occurrence of c.3967G>A as a potentially causal variant in individuals affected with FLNC-related conditions and no experimental evidence demonstrating its impact on protein function have been reported. ClinVar contains an entry for this variant (Variation ID: 539416). Based on the evidence outlined above, the variant was classified as uncertain significance.

Labcorp Genetics (formerly Invitae), Labcorp
Classification: Uncertain significance for Distal myopathy with posterior leg and anterior hand involvement; Myofibrillar myopathy 5; Hypertrophic cardiomyopathy 26. Last evaluated: 2025-04-11. Review status: criteria provided, single submitter. Criteria: Invitae Variant Classification Sherloc (09022015). Collection method: clinical testing. Allele origin: germline.
Comment: This sequence change replaces valine, which is neutral and non-polar, with methionine, which is neutral and non-polar, at codon 1323 of the FLNC protein (p.Val1323Met). This variant is present in population databases (rs771676134, gnomAD 0.003%). This variant has not been reported in the literature in individuals affected with FLNC-related conditions. ClinVar contains an entry for this variant (Variation ID: 539416). An algorithm developed to predict the effect of missense changes on protein structure and function outputs the following: PolyPhen-2: "Benign". The methionine amino acid residue is found in multiple mammalian species, which suggests that this missense change does not adversely affect protein function. In summary, the available evidence is currently insufficient to determine the role of this variant in disease. Therefore, it has been classified as a Variant of Uncertain Significance.

NM_001458.5(FLNC):c.3967G>A (p.Val1323Met)

Gene: FLNC (filamin C; plus strand). Cytogenetic location: 7q32.1.
Variant type: single nucleotide variant.
Coding change: c.3967G>A on transcript NM_001458.5 (MANE Select); coding-DNA position 3967, G replaced by A.
Protein change: p.Val1323Met; replaces valine 1323 with methionine.
Molecular consequence: missense variant.
Genome position (GRCh38, 1-based): chr7:128,846,303, G>A. VCF-style: chr7-128846303-G-A. GRCh37 (hg19) VCF-style: chr7-128486357-G-A.
Other names: c.3967G>A, p.Val1323Met (NM_001127487.2); short protein forms V1323M.
Identifiers: ClinVar variation 539416 (VCV000539416.10), dbSNP rs771676134, ClinGen allele CA4475213.